The following is an entry in ClinVar:

ClinVar aggregate classification (germline): Pathogenic. Review status: criteria provided, multiple submitters, no conflicts (2 of 4 stars). 2 submissions from 2 submitters: Pathogenic (2). Last evaluated 2023-05-21.

Conditions:
Neuronal ceroid lipofuscinosis 7 (CLN7). Also called: MFSD8-Related Neuronal Ceroid-Lipofuscinosis. Identifiers: Orphanet 168491, Orphanet 228366, MedGen C1838571, MONDO:0012588, OMIM 610951.

Submissions (2):

Labcorp Genetics (formerly Invitae), Labcorp
Classification: Pathogenic for Neuronal ceroid lipofuscinosis 7. Last evaluated: 2023-05-21. Review status: criteria provided, single submitter. Criteria: Invitae Variant Classification Sherloc (09022015). Collection method: clinical testing. Allele origin: germline.
Comment: This premature translational stop signal has been observed in individual(s) with neuronal ceroid lipofuscinosis (PMID: 21990111). For these reasons, this variant has been classified as Pathogenic. Algorithms developed to predict the effect of sequence changes on RNA splicing suggest that this variant may disrupt the consensus splice site. ClinVar contains an entry for this variant (Variation ID: 1206979). This variant is not present in population databases (gnomAD no frequency). This sequence change creates a premature translational stop signal (p.Gln87*) in the MFSD8 gene. It is expected to result in an absent or disrupted protein product. Loss-of-function variants in MFSD8 are known to be pathogenic (PMID: 19177532, 25227500, 28586915).

GeneDx
Classification: Pathogenic. Last evaluated: 2021-04-09. Review status: criteria provided, single submitter. Criteria: GeneDx Variant Classification Process June 2021. Collection method: clinical testing. Allele origin: germline. Affected: yes.
Comment: Nonsense variant predicted to result in protein truncation or nonsense mediated decay in a gene for which loss-of-function is a known mechanism of disease; Not observed in large population cohorts (Lek et al., 2016); Reported in the homozygous state in an individual with neuronal ceroid lipofuscinoses disease (Kousi et al., 2012); This variant is associated with the following publications: (PMID: 21990111)

Literature cited by the submitters: PubMed 21990111 (cited by Labcorp Genetics (formerly Invitae), Labcorp); PubMed 19177532 (cited by Labcorp Genetics (formerly Invitae), Labcorp); PubMed 25227500 (cited by Labcorp Genetics (formerly Invitae), Labcorp); PubMed 28586915 (cited by Labcorp Genetics (formerly Invitae), Labcorp).

NM_001371596.2(MFSD8):c.259C>T (p.Gln87Ter)

Gene: MFSD8 (major facilitator superfamily domain containing 8; minus strand). Cytogenetic location: 4q28.2.
Variant type: single nucleotide variant.
Coding change: c.259C>T on transcript NM_001371596.2 (MANE Select); coding-DNA position 259, C replaced by T.
Protein change: p.Gln87Ter; replaces glutamine 87 with a stop codon.
Molecular consequence: nonsense.
Genome position (GRCh38, 1-based): chr4:127,943,932, G>A on the plus strand (C>T on the coding strand, the complement: MFSD8 is on the minus strand). VCF-style: chr4-127943932-G-A. GRCh37 (hg19) VCF-style: chr4-128865087-G-A.
Other names: c.259C>T, p.Gln87Ter (NM_001363520.3, NM_001363521.3, NM_001371591.2 and 5 more transcripts); c.124C>T, p.Gln42Ter (NM_001371590.2, NM_001371595.1, NM_001410765.1); short protein forms Q42*, Q87*.
Identifiers: ClinVar variation 1206979 (VCV001206979.10), dbSNP rs1300341137, ClinGen allele CA358177028.
Genomic context (GRCh38, chr4:127,943,932, plus strand): 5'-GAGGCTCTTTTCTTGGTCTATAATTAGACCATAAACCAAATATAGGTGAAGCTACCATTT[G>A]GCCAAGACTATATGAAGCAATAACCCAGCCCAAAAAACTTGTATCAGCTGTCGGATCAAT-3'